The following is an entry in ClinVar:

NM_000138.5(FBN1):c.6635A>G (p.Gln2212Arg)

Gene: FBN1 (fibrillin 1; minus strand). Cytogenetic location: 15q21.1.
Variant type: single nucleotide variant.
Coding change: c.6635A>G on transcript NM_000138.5 (MANE Select); coding-DNA position 6635, A replaced by G.
Protein change: p.Gln2212Arg; replaces glutamine 2212 with arginine.
Molecular consequence: missense variant.
Genome position (GRCh38, 1-based): chr15:48,432,970, T>C on the plus strand (A>G on the coding strand, the complement: FBN1 is on the minus strand). VCF-style: chr15-48432970-T-C. GRCh37 (hg19) VCF-style: chr15-48725167-T-C.
Other names: c.6635A>G, p.Gln2212Arg (NM_001406716.1); short protein forms Q2212R.
Identifiers: ClinVar variation 3386767 (VCV003386767.1).

ClinVar aggregate classification (germline): Uncertain significance (1 of 4 stars; one submission).

Conditions:
Marfan syndrome (MFS). Also called: MARFAN SYNDROME, TYPE I; Marfan syndrome type 1; Marfan's syndrome; FBN1-Related Marfan Syndrome; Marfan syndrome, classic. Identifiers: Orphanet 284963, Orphanet 558, MedGen C0024796, MONDO:0007947, OMIM 154700.

Submission:

All of Us Research Program, National Institutes of Health
Classification: Uncertain significance for Marfan syndrome. Last evaluated: 2024-04-25. Review status: criteria provided, single submitter. Criteria: ACMG Guidelines, 2015. Collection method: clinical testing. Allele origin: germline. Inheritance: Autosomal dominant inheritance. Observed: 1 variant allele, 1 heterozygote.
Comment: This missense variant replaces glutamine with arginine at codon 2212 of the FBN1 protein. Computational prediction is inconclusive regarding the impact of this variant on protein structure and function (internally defined REVEL score threshold 0.5 < inconclusive < 0.7, PMID: 27666373). To our knowledge, functional studies have not been reported for this variant. This variant has not been reported in individuals affected with FBN1-related disorders in the literature. This variant has not been identified in the general population by the Genome Aggregation Database (gnomAD). The available evidence is insufficient to determine the role of this variant in disease conclusively. Therefore, this variant is classified as a Variant of Uncertain Significance.

This study involves interpretation of variants in research participants for the purpose of population health screening. Participant phenotype was not available at the time of variant classification. Additional details can be found in publication PMID: 35346344, PMCID: PMC8962531